The following is an entry in ClinVar:

NM_001195553.2(DCX):c.233G>T (p.Arg78Leu)

Gene: DCX (doublecortin; minus strand). Cytogenetic location: Xq23.
Variant type: single nucleotide variant.
Coding change: c.233G>T on transcript NM_001195553.2 (MANE Select); coding-DNA position 233, G replaced by T.
Protein change: p.Arg78Leu; replaces arginine 78 with leucine.
Molecular consequence: missense variant.
Genome position (GRCh38, 1-based): chrX:111,410,166, C>A on the plus strand (G>T on the coding strand, the complement: DCX is on the minus strand). VCF-style: chrX-111410166-C-A. GRCh37 (hg19) VCF-style: chrX-110653394-C-A.
Other names: c.476G>T, p.Arg159Leu (NM_000555.3); c.233G>T, p.Arg78Leu (NM_001369370.1, NM_001369371.1, NM_001369372.1 and 5 more transcripts); short protein forms R78L, R159L.
Identifiers: ClinVar variation 158443 (VCV000158443.11), dbSNP rs104894784, ClinGen allele CA171896.

ClinVar aggregate classification (germline): Pathogenic. Review status: criteria provided, multiple submitters, no conflicts (2 of 4 stars). 4 submissions from 4 submitters: Pathogenic (3). 1 of the submissions does not count toward it. Last evaluated 2021-10-02.

Conditions:
Lissencephaly. Also called: Lissencephaly spectrum disorders. Identifiers: Orphanet 48471, MedGen C0266463, MeSH D054082, MONDO:0018838, HP:0001339.
Ectopic tissue. Also called: Heterotopia. Identifiers: MedGen C0008519.
Lissencephaly type 1 due to doublecortin gene mutation. Also called: LISSENCEPHALY, X-LINKED, 1; LISSENCEPHALY AND AGENESIS OF CORPUS CALLOSUM. Identifiers: Orphanet 2148, MedGen C4551968, MONDO:0010239, OMIM 300067.

Submissions (4):

3billion
Classification: Pathogenic for Lissencephaly type 1 due to doublecortin gene mutation. Last evaluated: 2021-10-02. Review status: criteria provided, single submitter. Criteria: ACMG Guidelines, 2015. Collection method: clinical testing. Allele origin: unknown. Affected: yes. Observed: 1 heterozygote.
Comment: Same nucleotide change resulting in same amino acid change has been previously reported as de novoo in a similarly affected individual (PMID: 29671837, PS2) The missense variant is located in a mutational hot spot and/or well-established functional domain in which established pathogenic variants have been reported (PM1). It is not observed in the gnomAD v2.1.1 dataset (PM2). A different missense change at the same codon (p.Arg78Cys) has been reported as pathogenic/likely pathogenic with strong evidence (ClinVar ID: VCV000158442.1, PM5). The variant was observed as assumed (i.e. paternity and maternity not confirmed) de novoo (3billion dataset, PM6). Missense changes are a common disease-causing mechanism (PP2). In silico tool predictions suggest damaging effect of the variant on gene or gene product (REVEL: 0.956, 3Cnet: 0.996, PP3). Patient's phenotype is considered compatible with Ayme-Gripp syndrome (3billion dataset, PP4).Therefore, this variant is classified as likely pathogenic according to the recommendation of ACMG/AMP guideline.

GeneDx
Classification: Pathogenic. Last evaluated: 2019-09-13. Review status: criteria provided, single submitter. Criteria: GeneDx Variant Classification Process June 2021. Collection method: clinical testing. Allele origin: germline. Affected: yes.
Comment: In silico analysis, which includes protein predictors and evolutionary conservation, supports a deleterious effect; Not observed in large population cohorts (Lek et al., 2016); This variant is associated with the following publications: (PMID: 9668176, 29671837, 30352490, 23365099, 10770842, 11175293)

Genetic Services Laboratory, University of Chicago
Classification: Pathogenic for Abnormality of neuronal migration. Last evaluated: 2013-02-08. Review status: criteria provided, single submitter. Criteria: ACMG Guidelines, 2007. Collection method: clinical testing. Allele origin: germline. Inheritance: Autosomal dominant inheritance. Affected: yes.

University of Washington Center for Mendelian Genomics, University of Washington
Classification: Likely pathogenic for lissencephaly. Review status: no assertion criteria provided. Collection method: research. Allele origin: de novo. Affected: yes. Not counted in ClinVar's aggregate classification.

Literature cited by the submitters: PubMed 29671837 (cited by 3billion and University of Washington Center for Mendelian Genomics, University of Washington).